The following is an entry in ClinVar:

ClinVar aggregate classification (germline): Pathogenic (1 of 4 stars; one submission).

Submission:

GeneDx
Classification: Pathogenic. Last evaluated: 2024-01-22. Review status: criteria provided, single submitter. Criteria: GeneDx Variant Classification Process June 2021. Collection method: clinical testing. Allele origin: germline. Affected: yes.
Comment: Nonsense variant predicted to result in protein truncation or nonsense mediated decay in a gene for which loss of function is a known mechanism of disease; Not observed in large population cohorts (gnomAD); Has not been previously published as pathogenic or benign to our knowledge

NM_001162501.2(TNRC6B):c.121G>T (p.Glu41Ter)

Gene: TNRC6B (trinucleotide repeat containing adaptor 6B; plus strand). Cytogenetic location: 22q13.1.
Variant type: single nucleotide variant.
Coding change: c.121G>T on transcript NM_001162501.2 (MANE Select); coding-DNA position 121, G replaced by T.
Protein change: p.Glu41Ter; replaces glutamic acid 41 with a stop codon.
Molecular consequence: nonsense.
Genome position (GRCh38, 1-based): chr22:40,261,837, G>T. VCF-style: chr22-40261837-G-T. GRCh37 (hg19) VCF-style: chr22-40657841-G-T.
Other names: c.229G>T, p.Glu77Ter (NM_001024843.2); c.121G>T, p.Glu41Ter (NM_015088.3); short protein forms E41*, E77*.
Identifiers: ClinVar variation 3253187 (VCV003253187.1), dbSNP rs2517980289.